The following is an entry in ClinVar:

ClinVar aggregate classification (germline): Likely benign (1 of 4 stars; one submission).

Submission:

Women's Health and Genetics/Laboratory Corporation of America, LabCorp
Classification: Likely benign. Last evaluated: 2024-12-24. Review status: criteria provided, single submitter. Criteria: LabCorp Variant Classification Summary - May 2015. Collection method: clinical testing. Allele origin: germline.
Comment: Variant summary: GLI2 c.294C>T alters a conserved nucleotide resulting in a synonymous change. Consensus agreement among computation tools predict no significant impact on normal splicing. However, these predictions have yet to be confirmed by functional studies. The variant was absent in 251214 control chromosomes. The available data on variant occurrences in the general population are insufficient to allow any conclusion about variant significance. To our knowledge, no occurrence of c.294C>T in individuals affected with GLI2-Related Disorders and no experimental evidence demonstrating its impact on protein function have been reported. No submitters have cited clinical-significance assessments for this variant to ClinVar. Based on the evidence outlined above, the variant was classified as likely benign.

NM_001374353.1(GLI2):c.294C>T (p.Ile98=)

Gene: GLI2 (GLI family zinc finger 2; plus strand). Cytogenetic location: 2q14.2.
Variant type: single nucleotide variant.
Coding change: c.294C>T on transcript NM_001374353.1 (MANE Select); coding-DNA position 294, C replaced by T.
Protein change: p.Ile98=; no amino-acid change (isoleucine 98 retained).
Molecular consequence: synonymous variant. On other transcripts: 5 prime UTR variant (1).
Genome position (GRCh38, 1-based): chr2:120,951,282, C>T. VCF-style: chr2-120951282-C-T. GRCh37 (hg19) VCF-style: chr2-121708858-C-T.
Other names: c.294C>T, p.Ile98= (NM_001371271.1, NM_005270.5); c.-82C>T (NM_001374354.1).
Identifiers: ClinVar variation 3768442 (VCV003768442.1).
Genomic context (GRCh38, chr2:120,951,282, plus strand): 5'-GGCTGCCCATTGTCTCTGCAGGCCCCCTGCCCTCAGCGGCAGCCCTGTCATCTCTGACAT[C>T]TCCTTGATCCGGCTTTCCCCGCACCCGGCTGGCCCTGGGGAGTCCCCCTTCAACGCCCCC-3'
Protein context (NP_001361282.1, residues 88-108): ALSGSPVISD[Ile98=]SLIRLSPHPA